The following is an entry in ClinVar:

NM_000264.5(PTCH1):c.3040C>G (p.Pro1014Ala)

Gene: PTCH1 (patched 1; minus strand). Cytogenetic location: 9q22.32.
Variant type: single nucleotide variant.
Coding change: c.3040C>G on transcript NM_000264.5 (MANE Select); coding-DNA position 3040, C replaced by G.
Protein change: p.Pro1014Ala; replaces proline 1014 with alanine.
Molecular consequence: missense variant. On other transcripts: non-coding transcript variant (1).
Genome position (GRCh38, 1-based): chr9:95,458,141, G>C on the plus strand (C>G on the coding strand, the complement: PTCH1 is on the minus strand). VCF-style: chr9-95458141-G-C. GRCh37 (hg19) VCF-style: chr9-98220423-G-C.
Other names: c.2842C>G, p.Pro948Ala (NM_001083602.3); c.3037C>G, p.Pro1013Ala (NM_001083603.3); c.2587C>G, p.Pro863Ala (NM_001083604.3, NM_001083605.3, NM_001083606.3 and 1 more transcripts); c.2884C>G, p.Pro962Ala (NM_001354918.2); c.3040C>G (NM_000264.3); short protein forms P962A, P1013A, P863A, P1014A, P948A.
Identifiers: ClinVar variation 642694 (VCV000642694.11), dbSNP rs1588540255, ClinGen allele CA374112522.

ClinVar aggregate classification (germline): Uncertain significance. Review status: criteria provided, multiple submitters, no conflicts (2 of 4 stars). 2 submissions from 2 submitters: Uncertain significance (2). Last evaluated 2026-07-29.

Conditions:
Gorlin syndrome. Also called: Nevoid Basal Cell Carcinoma Syndrome; Basal cell nevus syndrome. Identifiers: Orphanet 377, MedGen C0004779, MONDO:0007187.
Hereditary cancer-predisposing syndrome. Also called: Neoplastic Syndromes, Hereditary; Hereditary Cancer Syndrome; Hereditary neoplastic syndrome; Tumor predisposition. Identifiers: Orphanet 140162, MedGen C0027672, MeSH D009386, MONDO:0015356.

Submissions (2):

Ambry Genetics
Classification: Uncertain significance for Hereditary cancer-predisposing syndrome. Last evaluated: 2026-07-29. Review status: criteria provided, single submitter. Criteria: Ambry Variant Classification Scheme 2023. Collection method: clinical testing. Allele origin: germline.
Comment: The p.P1014A variant (also known as c.3040C>G), located in coding exon 18 of the PTCH1 gene, results from a C to G substitution at nucleotide position 3040. The proline at codon 1014 is replaced by alanine, an amino acid with highly similar properties. This amino acid position is conserved. In addition, this alteration is predicted to be deleterious by in silico analysis. Based on the available evidence, the clinical significance of this variant remains unclear.

Labcorp Genetics (formerly Invitae), Labcorp
Classification: Uncertain significance for Gorlin syndrome. Last evaluated: 2025-07-16. Review status: criteria provided, single submitter. Criteria: Invitae Variant Classification Sherloc (09022015). Collection method: clinical testing. Allele origin: germline.
Comment: This sequence change replaces proline, which is neutral and non-polar, with alanine, which is neutral and non-polar, at codon 1014 of the PTCH1 protein (p.Pro1014Ala). This variant is not present in population databases (gnomAD no frequency). This variant has not been reported in the literature in individuals affected with PTCH1-related conditions. ClinVar contains an entry for this variant (Variation ID: 642694). Invitae Evidence Modeling of protein sequence and biophysical properties (such as structural, functional, and spatial information, amino acid conservation, physicochemical variation, residue mobility, and thermodynamic stability) has been performed for this missense variant. However, the output from this modeling did not meet the statistical confidence thresholds required to predict the impact of this variant on PTCH1 protein function. In summary, the available evidence is currently insufficient to determine the role of this variant in disease. Therefore, it has been classified as a Variant of Uncertain Significance.